The following is an entry in ClinVar:

ClinVar aggregate classification (germline): Pathogenic (1 of 4 stars; one submission).

Conditions:
Ehlers-Danlos syndrome, dermatosparaxis type. Also called: EDS VIIC; Dermatosparaxis; Ehlers-Danlos syndrome, type VII, autosomal recessive. Identifiers: Orphanet 1901, MedGen C2700425, MONDO:0009161, OMIM 225410.

Submission:

Myriad Genetics, Inc.
Classification: Pathogenic for Ehlers-Danlos syndrome, dermatosparaxis type. Last evaluated: 2024-05-14. Review status: criteria provided, single submitter. Criteria: Myriad Autosomal Dominant, Autosomal Recessive and X-Linked Classification Criteria (2023). Collection method: clinical testing. Allele origin: unknown.
Comment: NM_014244.4(ADAMTS2):c.74_75ins19(P26Dfs*46) is expected to be pathogenic in the context of Ehlers-Danlos syndrome, ADAMTS2-related. This variant is predicted to lead to an abnormal or absent protein product due to the creation of a premature termination codon in ADAMTS2, a gene where loss-of-function variants are known to be pathogenic. Please note: this variant was assessed in the context of healthy population screening.

NM_014244.5(ADAMTS2):c.74_75insAGATGTGTATAAGAGACAG (p.Pro26fs)

Gene: ADAMTS2 (ADAM metallopeptidase with thrombospondin type 1 motif 2; minus strand). Cytogenetic location: 5q35.3.
Variant type: Insertion.
Coding change: c.74_75insAGATGTGTATAAGAGACAG on transcript NM_014244.5 (MANE Select); coding-DNA positions 74 to 75, AGATGTGTATAAGAGACAG inserted.
Protein change: p.Pro26fs; shifts the reading frame from proline 26.
Molecular consequence: frameshift variant.
Genome position: GRCh38 VCF-style: chr5-179345254-C-CCTGTCTCTTATACACATCT. GRCh37 (hg19) VCF-style: chr5-178772255-C-CCTGTCTCTTATACACATCT.
Other names: c.74_75insAGATGTGTATAAGAGACAG, p.Pro26fs (NM_021599.4); short protein forms P26fs.
Identifiers: ClinVar variation 5010771 (VCV005010771.1).